The following is an entry in ClinVar:

ClinVar aggregate classification (germline): Likely pathogenic (1 of 4 stars; one submission).

Allele frequency attached by ClinVar (database versions not stated): gnomAD 0.00001.
gnomAD v4.1: 1 of 1,611,122 alleles (0.000062%); highest among the groups gnomAD compares: African/African-American, 0.0013%; no homozygotes.

Submission:

Labcorp Genetics (formerly Invitae), Labcorp
Classification: Likely pathogenic. Last evaluated: 2022-07-18. Review status: criteria provided, single submitter. Criteria: Invitae Variant Classification Sherloc (09022015). Collection method: clinical testing. Allele origin: germline.
Comment: In summary, the currently available evidence indicates that the variant is pathogenic, but additional data are needed to prove that conclusively. Therefore, this variant has been classified as Likely Pathogenic. Algorithms developed to predict the effect of sequence changes on RNA splicing suggest that this variant may disrupt the consensus splice site. This variant has not been reported in the literature in individuals affected with MPDZ-related conditions. This variant is not present in population databases (gnomAD no frequency). This sequence change affects an acceptor splice site in intron 18 of the MPDZ gene. It is expected to disrupt RNA splicing. Variants that disrupt the donor or acceptor splice site typically lead to a loss of protein function (PMID: 16199547), and loss-of-function variants in MPDZ are known to be pathogenic (PMID: 23240096, 28556411).

Literature cited by the submitters: PubMed 16199547; PubMed 23240096; PubMed 28556411.

NM_001378778.1(MPDZ):c.2482-2A>T

Gene: MPDZ (multiple PDZ domain crumbs cell polarity complex component; minus strand). Cytogenetic location: 9p23.
Variant type: single nucleotide variant.
Coding change: c.2482-2A>T on transcript NM_001378778.1 (MANE Select); the canonical splice acceptor site of the intron before coding-DNA position 2482, A replaced by T.
Molecular consequence: splice acceptor variant.
Genome position (GRCh38, 1-based): chr9:13,183,587, T>A on the plus strand (A>T on the coding strand, the complement: MPDZ is on the minus strand). VCF-style: chr9-13183587-T-A. GRCh37 (hg19) VCF-style: chr9-13183586-T-A.
Other names: c.2482-2A>T (NM_001375425.1, NM_001375420.1, NM_001375419.1 and 14 more transcripts).
Identifiers: ClinVar variation 2160693 (VCV002160693.4), dbSNP rs1252684619, ClinGen allele CA372935916.
Genomic context (GRCh38, chr9:13,183,587, plus strand): 5'-GGAGAGTATGGAGACTCAAATGTGGATTCATCTACTAAGTCAGCATCATTTGTGCCCACC[T>A]AGAAACAAAACAATAATATCAGTTGGGAATTCTGTTCTATTACATATATGACAAACAATC-3'